The following is an entry in ClinVar:

NM_000264.5(PTCH1):c.2751C>A (p.Ser917Arg)

Gene: PTCH1 (patched 1; minus strand). Cytogenetic location: 9q22.32.
Variant type: single nucleotide variant.
Coding change: c.2751C>A on transcript NM_000264.5 (MANE Select); coding-DNA position 2751, C replaced by A.
Protein change: p.Ser917Arg; replaces serine 917 with arginine.
Molecular consequence: missense variant. On other transcripts: non-coding transcript variant (1).
Genome position (GRCh38, 1-based): chr9:95,459,736, G>T on the plus strand (C>A on the coding strand, the complement: PTCH1 is on the minus strand). VCF-style: chr9-95459736-G-T. GRCh37 (hg19) VCF-style: chr9-98222018-G-T.
Other names: c.2553C>A, p.Ser851Arg (NM_001083602.3); c.2748C>A, p.Ser916Arg (NM_001083603.3); c.2298C>A, p.Ser766Arg (NM_001083604.3, NM_001083605.3, NM_001083606.3 and 1 more transcripts); c.2595C>A, p.Ser865Arg (NM_001354918.2); short protein forms S766R, S851R, S916R, S865R, S917R.
Identifiers: ClinVar variation 4675350 (VCV004675350.1).

ClinVar aggregate classification (germline): Uncertain significance (1 of 4 stars; one submission).

Conditions:
Hereditary cancer-predisposing syndrome. Also called: Neoplastic Syndromes, Hereditary; Tumor predisposition; Hereditary Cancer Syndrome; Hereditary neoplastic syndrome. Identifiers: Orphanet 140162, MedGen C0027672, MeSH D009386, MONDO:0015356.

Submission:

Ambry Genetics
Classification: Uncertain significance for Hereditary cancer-predisposing syndrome. Last evaluated: 2025-09-16. Review status: criteria provided, single submitter. Criteria: Ambry Variant Classification Scheme 2023. Collection method: clinical testing. Allele origin: germline.
Comment: The p.S917R variant (also known as c.2751C>A), located in coding exon 17 of the PTCH1 gene, results from a C to A substitution at nucleotide position 2751. The serine at codon 917 is replaced by arginine, an amino acid with dissimilar properties. This amino acid position is conserved. In addition, this alteration is predicted to be tolerated by in silico analysis. Based on the available evidence, the clinical significance of this variant remains unclear.